The following is an entry in ClinVar:

NM_001205019.2(GK):c.542G>A (p.Trp181Ter)

Gene: GK (glycerol kinase; plus strand). Cytogenetic location: Xp21.2.
Variant type: single nucleotide variant.
Coding change: c.542G>A on transcript NM_001205019.2 (MANE Select); coding-DNA position 542, G replaced by A.
Protein change: p.Trp181Ter; replaces tryptophan 181 with a stop codon.
Molecular consequence: nonsense. On other transcripts: non-coding transcript variant (7).
Genome position (GRCh38, 1-based): chrX:30,694,527, G>A. VCF-style: chrX-30694527-G-A. GRCh37 (hg19) VCF-style: chrX-30712644-G-A.
Other names: NC_000023.10:g.30712644G>A; c.542G>A, p.Trp181Ter (NM_000167.6, NM_001128127.3, NM_203391.4); c.626G>A, p.Trp209Ter (NM_001399987.1); short protein forms W181*, W209*.
Identifiers: ClinVar variation 3248635 (VCV003248635.3), dbSNP rs2519279463.

ClinVar aggregate classification (germline): Pathogenic (1 of 4 stars; one submission).

Conditions:
Inborn glycerol kinase deficiency. Also called: GK DEFICIENCY; GK1 DEFICIENCY; Deficiency of glycerol kinase; Hyperglycerolemia. Identifiers: Orphanet 308993, Orphanet 408, MedGen C0268418, MONDO:0010613, OMIM 307030, HP:0040302.

Submissions (3):

Centre of Medical Genetics, University Hospital Muenster
Classification: Pathogenic for Inborn glycerol kinase deficiency. Last evaluated: 2023-04-13. Review status: criteria provided, single submitter. Criteria: ACMG Guidelines, 2015. Collection method: clinical testing. Allele origin: unknown. Affected: yes. Observed: 1 variant allele.
Comment: ACMG categories: PVS1,PM2,PP3

Dr. Peter K. Rogan Lab, Western University
No classification provided (evidence only). Condition: Nonpapillary renal cell carcinoma. Review status: no classification provided. Collection method: in vitro. Allele origin: not applicable. Functional consequence: skipped exon, retained intron. Not counted in ClinVar's aggregate classification.

Dr. Peter K. Rogan Lab, Western University
No classification provided (evidence only). Condition: Nonpapillary renal cell carcinoma. Review status: no classification provided. Collection method: in vitro. Allele origin: not applicable. Functional consequence: retained intron. Not counted in ClinVar's aggregate classification.